The following is an entry in ClinVar:

ClinVar aggregate classification (germline): Benign. Review status: criteria provided, multiple submitters, no conflicts (2 of 4 stars). 6 submissions from 6 submitters: Benign (6). Last evaluated 2026-05-09.

Conditions:
Curry-Hall syndrome (WAD). Also called: WEYERS ACRODENTAL DYSOSTOSIS. Identifiers: Orphanet 952, MedGen C0457013, MONDO:0008673, OMIM 193530.
Ellis-van Creveld syndrome (EVC). Also called: MESOECTODERMAL DYSPLASIA; Chondroectodermal dysplasia. Identifiers: Orphanet 289, MedGen C0013903, MONDO:0009162, OMIM 225500.

Allele frequency attached by ClinVar (database versions not stated): gnomAD exomes 0.02484; gnomAD 0.08440 and 0.07906; TOPMed 0.09097; ESP Exome Variant Server 0.09242; ExAC 0.02862; 1000 Genomes Project 0.08786; 1000 Genomes Project 30x 0.09307.
gnomAD v4.1: 33,746 of 1,613,900 alleles (2.1%); highest among the groups gnomAD compares: African/African-American, 26%; 2,813 homozygotes.

Submissions (6):

Women's Health and Genetics/Laboratory Corporation of America, LabCorp
Classification: Benign. Last evaluated: 2026-05-09. Review status: criteria provided, single submitter. Criteria: LabCorp Variant Classification Summary - May 2015. Collection method: clinical testing. Allele origin: germline.

Labcorp Genetics (formerly Invitae), Labcorp
Classification: Benign for Curry-Hall syndrome; Ellis-van Creveld syndrome. Last evaluated: 2026-02-04. Review status: criteria provided, single submitter. Criteria: Invitae Variant Classification Sherloc (09022015). Collection method: clinical testing. Allele origin: germline.

Illumina Laboratory Services, Illumina
Classification: Benign for Ellis-van Creveld syndrome. Last evaluated: 2018-01-12. Review status: criteria provided, single submitter. Criteria: ICSL Variant Classification Criteria 13 December 2019. Collection method: clinical testing. Allele origin: germline.
Comment: This variant was observed in the ICSL laboratory as part of a predisposition screen in an ostensibly healthy population. It had not been previously curated by ICSL or reported in the Human Gene Mutation Database (HGMD: prior to June 1st, 2018), and was therefore a candidate for classification through an automated scoring system. Utilizing variant allele frequency, disease prevalence and penetrance estimates, and inheritance mode, an automated score was calculated to assess if this variant is too frequent to cause the disease. Based on the score and internal cut-off values, a variant classified as benign is not then subjected to further curation. The score for this variant resulted in a classification of benign for this disease.

GeneDx
Classification: Benign. Last evaluated: 2016-06-06. Review status: criteria provided, single submitter. Criteria: GeneDx Variant Classification (06012015). Collection method: clinical testing. Allele origin: germline. Affected: yes.
Comment: This variant is considered likely benign or benign based on one or more of the following criteria: it is a conservative change, it occurs at a poorly conserved position in the protein, it is predicted to be benign by multiple in silico algorithms, and/or has population frequency not consistent with disease.

Breakthrough Genomics
Classification: Benign. Review status: criteria provided, single submitter. Criteria: ACMG Guidelines, 2015. Collection method: not provided. Allele origin: germline. Inheritance: Autosomal recessive inheritance. Affected: yes.

PreventionGenetics, part of Exact Sciences
Classification: Benign. Review status: criteria provided, single submitter. Criteria: ACMG Guidelines, 2015. Collection method: clinical testing. Allele origin: germline.

NM_147127.5(EVC2):c.2235A>G (p.Glu745=)

Gene: EVC2 (EvC ciliary complex subunit 2; minus strand). Cytogenetic location: 4p16.2.
Variant type: single nucleotide variant.
Coding change: c.2235A>G on transcript NM_147127.5 (MANE Select); coding-DNA position 2235, A replaced by G.
Protein change: p.Glu745=; no amino-acid change (glutamic acid 745 retained).
Molecular consequence: synonymous variant.
Genome position (GRCh38, 1-based): chr4:5,622,803, T>C on the plus strand (A>G on the coding strand, the complement: EVC2 is on the minus strand). VCF-style: chr4-5622803-T-C. GRCh37 (hg19) VCF-style: chr4-5624530-T-C.
Other names: c.1995A>G, p.Glu665= (NM_001166136.2).
Identifiers: ClinVar variation 262611 (VCV000262611.18), dbSNP rs60121553, ClinGen allele CA2834773.